The following is an entry in ClinVar:

NM_000057.4(BLM):c.1536A>G (p.Gly512=)

Gene: BLM (BLM RecQ like helicase; plus strand). Cytogenetic location: 15q26.1.
Variant type: single nucleotide variant.
Coding change: c.1536A>G on transcript NM_000057.4 (MANE Select); coding-DNA position 1536, A replaced by G.
Protein change: p.Gly512=; no amino-acid change (glycine 512 retained).
Molecular consequence: synonymous variant.
Genome position (GRCh38, 1-based): chr15:90,760,909, A>G. VCF-style: chr15-90760909-A-G. GRCh37 (hg19) VCF-style: chr15-91304139-A-G.
Other names: c.1536A>G (NM_000057.2); c.1536A>G, p.Gly512= (NM_001287246.2, NM_001287247.2); c.411A>G, p.Gly137= (NM_001287248.2).
Identifiers: ClinVar variation 702265 (VCV000702265.19), dbSNP rs777277614, ClinGen allele CA7738554.
Genomic context (GRCh38, chr15:90,760,909, plus strand): 5'-CAATACCCATTTACAGAAGTCCTTTGTAAGTAGCAACTGGGCTGAAACACCAAGACTAGG[A>G]AAAAAAAATGAAAGCTCTTATTTCCCAGGAAATGTTCTCACAAGCACTGCTGTGAAAGAT-3'
Protein context (NP_000048.1, residues 502-522): SSNWAETPRL[Gly512=]KKNESSYFPG

ClinVar aggregate classification (germline): Likely benign. Review status: criteria provided, multiple submitters, no conflicts (2 of 4 stars). 5 submissions from 5 submitters: Likely benign (4). 1 of the submissions does not count toward it. Last evaluated 2026-06-01.

Conditions:
Bloom syndrome (BLM). Also called: Bloom-Torre-Machacek syndrome. Identifiers: Orphanet 125, MedGen C0005859, MONDO:0008876, OMIM 210900.
Hereditary cancer-predisposing syndrome. Also called: Neoplastic Syndromes, Hereditary; Tumor predisposition; Hereditary neoplastic syndrome; Hereditary Cancer Syndrome. Identifiers: Orphanet 140162, MedGen C0027672, MeSH D009386, MONDO:0015356.

Allele frequency attached by ClinVar (database versions not stated): gnomAD 0.00001; gnomAD exomes 0.00001 and 0.00002; TOPMed 0.00001; ExAC 0.00003.
gnomAD v4.1: 19 of 1,611,710 alleles (0.0012%); highest among the groups gnomAD compares: Middle Eastern, 0.016%; no homozygotes.

Submissions (5):

CeGaT Center for Human Genetics Tuebingen
Classification: Likely benign. Last evaluated: 2026-06-01. Review status: criteria provided, single submitter. Criteria: CeGaT Center For Human Genetics Tuebingen Variant Classification Criteria Version 2. Collection method: clinical testing. Allele origin: germline. Affected: yes. Observed: 1 variant allele.
Comment: BLM: BP4, BP7

Labcorp Genetics (formerly Invitae), Labcorp
Classification: Likely benign for Bloom syndrome. Last evaluated: 2025-11-05. Review status: criteria provided, single submitter. Criteria: Invitae Variant Classification Sherloc (09022015). Collection method: clinical testing. Allele origin: germline.

Sema4
Classification: Likely benign for Hereditary cancer-predisposing syndrome. Last evaluated: 2021-04-08. Review status: criteria provided, single submitter. Criteria: Sema4 Curation Guidelines. Collection method: curation. Allele origin: germline.

Ambry Genetics
Classification: Likely benign for Hereditary cancer-predisposing syndrome. Last evaluated: 2020-07-15. Review status: criteria provided, single submitter. Criteria: Ambry Variant Classification Scheme 2023. Collection method: clinical testing. Allele origin: germline.

Natera, Inc.
Classification: Likely benign for Bloom syndrome. Last evaluated: 2021-07-07. Review status: no assertion criteria provided. Collection method: clinical testing. Allele origin: germline. Not counted in ClinVar's aggregate classification.